The following is an entry in ClinVar:

ClinVar aggregate classification (germline): Uncertain significance (1 of 4 stars; one submission).

Conditions:
Alagille syndrome due to a JAG1 point mutation. Also called: Alagille Syndrome 1; JAG1-Related Alagille Syndrome; HEPATIC DUCTULAR HYPOPLASIA, SYNDROMATIC. Identifiers: Orphanet 261619, Orphanet 52, MedGen C1956125, MONDO:0016862, OMIM 118450.

Submission:

Labcorp Genetics (formerly Invitae), Labcorp
Classification: Uncertain significance for Alagille syndrome due to a JAG1 point mutation. Last evaluated: 2022-09-20. Review status: criteria provided, single submitter. Criteria: Invitae Variant Classification Sherloc (09022015). Collection method: clinical testing. Allele origin: germline.
Comment: This variant is not present in population databases (gnomAD no frequency). In summary, the available evidence is currently insufficient to determine the role of this variant in disease. Therefore, it has been classified as a Variant of Uncertain Significance. Advanced modeling of protein sequence and biophysical properties (such as structural, functional, and spatial information, amino acid conservation, physicochemical variation, residue mobility, and thermodynamic stability) performed at Invitae indicates that this missense variant is not expected to disrupt JAG1 protein function. This variant has not been reported in the literature in individuals affected with JAG1-related conditions. This sequence change replaces aspartic acid, which is acidic and polar, with glutamic acid, which is acidic and polar, at codon 1033 of the JAG1 protein (p.Asp1033Glu).

NM_000214.3(JAG1):c.3099C>G (p.Asp1033Glu)

Gene: JAG1 (jagged canonical Notch ligand 1; minus strand). Cytogenetic location: 20p12.2.
Variant type: single nucleotide variant.
Coding change: c.3099C>G on transcript NM_000214.3 (MANE Select); coding-DNA position 3099, C replaced by G.
Protein change: p.Asp1033Glu; replaces aspartic acid 1033 with glutamic acid.
Molecular consequence: missense variant.
Genome position (GRCh38, 1-based): chr20:10,640,883, G>C on the plus strand (C>G on the coding strand, the complement: JAG1 is on the minus strand). VCF-style: chr20-10640883-G-C. GRCh37 (hg19) VCF-style: chr20-10621531-G-C.
Other names: short protein forms D1033E.
Identifiers: ClinVar variation 1940319 (VCV001940319.5), dbSNP rs1370741944, ClinGen allele CA408244182.